The following is an entry in ClinVar:

ClinVar aggregate classification (germline): Uncertain significance (1 of 4 stars; one submission).

Allele frequency attached by ClinVar (database versions not stated): ExAC 0.00001; gnomAD 0.00001; gnomAD exomes 0.00001 and 0.00002; TOPMed 0.00002.
gnomAD v4.1: 33 of 1,614,064 alleles (0.002%); highest among the groups gnomAD compares: Non-Finnish European, 0.0027%; no homozygotes.

Submission:

Labcorp Genetics (formerly Invitae), Labcorp
Classification: Uncertain significance. Last evaluated: 2021-11-21. Review status: criteria provided, single submitter. Criteria: Invitae Variant Classification Sherloc (09022015). Collection method: clinical testing. Allele origin: germline.
Comment: This sequence change replaces leucine, which is neutral and non-polar, with phenylalanine, which is neutral and non-polar, at codon 844 of the ABCA4 protein (p.Leu844Phe). This variant is present in population databases (rs765425569, gnomAD 0.002%). This variant has not been reported in the literature in individuals affected with ABCA4-related conditions. Algorithms developed to predict the effect of missense changes on protein structure and function are either unavailable or do not agree on the potential impact of this missense change (SIFT: "Deleterious"; PolyPhen-2: "Benign"; Align-GVGD: "Class C15"). In summary, the available evidence is currently insufficient to determine the role of this variant in disease. Therefore, it has been classified as a Variant of Uncertain Significance.

NM_000350.3(ABCA4):c.2530C>T (p.Leu844Phe)

Gene: ABCA4 (ATP binding cassette subfamily A member 4; minus strand). Cytogenetic location: 1p22.1.
Variant type: single nucleotide variant.
Coding change: c.2530C>T on transcript NM_000350.3 (MANE Select); coding-DNA position 2530, C replaced by T.
Protein change: p.Leu844Phe; replaces leucine 844 with phenylalanine.
Molecular consequence: missense variant.
Genome position (GRCh38, 1-based): chr1:94,055,168, G>A on the plus strand (C>T on the coding strand, the complement: ABCA4 is on the minus strand). VCF-style: chr1-94055168-G-A. GRCh37 (hg19) VCF-style: chr1-94520724-G-A.
Other names: c.2308C>T, p.Leu770Phe (NM_001425324.1); short protein forms L844F, L770F.
Identifiers: ClinVar variation 1513570 (VCV001513570.3), dbSNP rs765425569, ClinGen allele CA958248.